The following is an entry in ClinVar:

ClinVar aggregate classification (germline): Conflicting classifications of pathogenicity. Review status: criteria provided, conflicting classifications (1 of 4 stars). 4 submissions from 4 submitters: Uncertain significance (1); Likely benign (2). 1 of the submissions does not count toward it. Last evaluated 2021-07-21.

Conditions:
PER3-related disorder. Also called: PER3-related condition.

Allele frequency attached by ClinVar (database versions not stated): 1000 Genomes Project 30x 0.00047; gnomAD 0.00123 and 0.00135; ExAC 0.00152; TOPMed 0.00155; 1000 Genomes Project 0.00040; gnomAD exomes 0.00125 and 0.00137; ESP Exome Variant Server 0.00185.
gnomAD v4.1: 2,082 of 1,612,762 alleles (0.13%); highest among the groups gnomAD compares: Middle Eastern, 1.4%; 11 homozygotes.

Submissions (4):

Ambry Genetics
Classification: Uncertain significance. Last evaluated: 2021-07-21. Review status: criteria provided, single submitter. Criteria: Ambry Variant Classification Scheme 2023. Collection method: clinical testing. Allele origin: germline.

Labcorp Genetics (formerly Invitae), Labcorp
Classification: Likely benign. Last evaluated: 2019-12-31. Review status: criteria provided, single submitter. Criteria: Invitae Variant Classification Sherloc (09022015). Collection method: clinical testing. Allele origin: germline.

Breakthrough Genomics
Classification: Likely benign. Review status: criteria provided, single submitter. Criteria: ACMG Guidelines, 2015. Collection method: not provided. Allele origin: germline. Inheritance: Autosomal dominant inheritance. Affected: yes.

PreventionGenetics, part of Exact Sciences
Classification: Benign for PER3-related condition. Last evaluated: 2019-06-19. Review status: no assertion criteria provided. Collection method: clinical testing. Allele origin: germline. Not counted in ClinVar's aggregate classification.
Comment: This variant is classified as benign based on ACMG/AMP sequence variant interpretation guidelines (Richards et al. 2015 PMID: 25741868, with internal and published modifications).

NM_001377275.1(PER3):c.3146C>T (p.Thr1049Ile)

Gene: PER3 (period circadian regulator 3; plus strand). Cytogenetic location: 1p36.23.
Variant type: single nucleotide variant.
Coding change: c.3146C>T on transcript NM_001377275.1 (MANE Select); coding-DNA position 3146, C replaced by T.
Protein change: p.Thr1049Ile; replaces threonine 1049 with isoleucine.
Molecular consequence: missense variant.
Genome position (GRCh38, 1-based): chr1:7,830,093, C>T. VCF-style: chr1-7830093-C-T. GRCh37 (hg19) VCF-style: chr1-7890153-C-T.
Other names: c.3089C>T, p.Thr1030Ile (NM_001289861.2); c.3146C>T, p.Thr1049Ile (NM_001289862.2); c.3068C>T, p.Thr1023Ile (NM_001289863.3); c.2186C>T, p.Thr729Ile (NM_001289864.3); c.3122C>T, p.Thr1041Ile (NM_001377276.1); c.3119C>T, p.Thr1040Ile (NM_016831.4); c.3119C>T (NM_016831.1); short protein forms T1023I, T1030I, T1040I, T1049I, T729I, T1041I.
Identifiers: ClinVar variation 782902 (VCV000782902.10), dbSNP rs144178755, ClinGen allele CA568668.
Genomic context (GRCh38, chr1:7,830,093, plus strand): 5'-ATCCTACTGCCAGCACACTGTCCATGGGATTGCCTCCCAGCAGGACTCCATCCCATCCTA[C>T]TGCCACTGTTCTGTCCACGGGGTCACCTCCCAGCGAATCCCCATCCAGAACTGGTTCAGC-3'
Protein context (NP_001364204.1, residues 1039-1059): LPPSRTPSHP[Thr1049Ile]ATVLSTGSPP